The following is an entry in ClinVar:

ClinVar aggregate classification (germline): Uncertain significance (1 of 4 stars; one submission).

Submission:

Dasa
Classification: Uncertain significance. Last evaluated: 2025-07-08. Review status: criteria provided, single submitter. Criteria: DASA Assertion Criteria. Collection method: clinical testing. Allele origin: germline.
Comment: NM_000458.4(HNF1B):c.308C>T (p.Ala103Val) is a missense variant that results in the substitution of alanine with valine. The affected residue or protein region has prior evidence supporting clinical relevance. This variant is absent from population databases. Computational prediction algorithms are consistent with a deleterious effect. The currently available literature and clinical evidence are not sufficient to establish a definitive association between this variant and the reported condition. Therefore, this variant is classified as a variant of uncertain significance.

NM_000458.4(HNF1B):c.308C>T (p.Ala103Val)

Gene: HNF1B (HNF1 homeobox B; minus strand). Cytogenetic location: 17q12.
Variant type: single nucleotide variant.
Coding change: c.308C>T on transcript NM_000458.4 (MANE Select); coding-DNA position 308, C replaced by T.
Protein change: p.Ala103Val; replaces alanine 103 with valine.
Molecular consequence: missense variant.
Genome position (GRCh38, 1-based): chr17:37,744,577, G>A on the plus strand (C>T on the coding strand, the complement: HNF1B is on the minus strand). VCF-style: chr17-37744577-G-A. GRCh37 (hg19) VCF-style: chr17-36104568-G-A.
Other names: c.308C>T, p.Ala103Val (NM_001165923.4, NM_001304286.2, NM_001411100.1); short protein forms A103V.
Identifiers: ClinVar variation 4883421 (VCV004883421.2).